The following is an entry in ClinVar:

NM_015443.4(KANSL1):c.2392+3A>T

Gene: KANSL1 (KAT8 regulatory NSL complex subunit 1). Cytogenetic location: 17q21.31.
Variant type: single nucleotide variant.
Coding change: c.2392+3A>T on transcript NM_015443.4 (MANE Select); 3 bases into the intron after coding-DNA position 2392, A replaced by T.
Molecular consequence: intron variant.
Genome position (GRCh38, 1-based): chr17:46,039,024, T>A on the plus strand (A>T on the coding strand, the complement: KANSL1 is on the minus strand). VCF-style: chr17-46039024-T-A. GRCh37 (hg19) VCF-style: chr17-44116390-T-A.
Other names: c.2392+3A>T (NM_001193465.2, NM_001379198.1, NM_001193466.2).
Identifiers: ClinVar variation 576125 (VCV000576125.7), dbSNP rs1568374384, ClinGen allele CA891844420.

ClinVar aggregate classification (germline): Uncertain significance. Review status: criteria provided, multiple submitters, no conflicts (2 of 4 stars). 2 submissions from 2 submitters: Uncertain significance (2). Last evaluated 2024-05-06.

Conditions:
Koolen-de Vries syndrome (KDVS). Identifiers: Orphanet 96169, MedGen C1864871, MONDO:0012496, OMIM 610443.

Allele frequency attached by ClinVar (database versions not stated): gnomAD exomes 0.00001.
gnomAD v4.1: 22 of 1,609,744 alleles (0.0014%); highest among the groups gnomAD compares: Non-Finnish European, 0.0017%; no homozygotes.

Submissions (2):

Labcorp Genetics (formerly Invitae), Labcorp
Classification: Uncertain significance for Koolen-de Vries syndrome. Last evaluated: 2024-05-06. Review status: criteria provided, single submitter. Criteria: Invitae Variant Classification Sherloc (09022015). Collection method: clinical testing. Allele origin: germline.
Comment: This sequence change falls in intron 9 of the KANSL1 gene. It does not directly change the encoded amino acid sequence of the KANSL1 protein. It affects a nucleotide within the consensus splice site. This variant is not present in population databases (gnomAD no frequency). This variant has not been reported in the literature in individuals affected with KANSL1-related conditions. ClinVar contains an entry for this variant (Variation ID: 576125). Variants that disrupt the consensus splice site are a relatively common cause of aberrant splicing (PMID: 17576681, 9536098). Algorithms developed to predict the effect of sequence changes on RNA splicing suggest that this variant may disrupt the consensus splice site. In summary, the available evidence is currently insufficient to determine the role of this variant in disease. Therefore, it has been classified as a Variant of Uncertain Significance.

Fulgent Genetics
Classification: Uncertain significance for Koolen-de Vries syndrome. Last evaluated: 2024-02-01. Review status: criteria provided, single submitter. Criteria: ACMG Guidelines, 2015. Collection method: clinical testing. Allele origin: germline.

Literature cited by the submitters: PubMed 17576681 (cited by Labcorp Genetics (formerly Invitae), Labcorp); PubMed 9536098 (cited by Labcorp Genetics (formerly Invitae), Labcorp).